The following is an entry in ClinVar:

ClinVar aggregate classification (germline): Uncertain significance. Review status: criteria provided, multiple submitters, no conflicts (2 of 4 stars). 5 submissions from 5 submitters: Uncertain significance (4). 1 of the submissions does not count toward it. Last evaluated 2024-01-09.

Conditions:
CEP290-related disorder. Also called: CEP290-related condition; CEP290-related disorders. Identifiers: MedGen CN239314.
Meckel-Gruber syndrome. Also called: GRUBER SYNDROME; DYSENCEPHALIA SPLANCHNOCYSTICA; Dysencephalia splachnocystica. Identifiers: Orphanet 564, MedGen C0265215, MONDO:0018921.
Nephronophthisis. Also called: Juvenile Nephronophthisis. Identifiers: Orphanet 655, MedGen C0687120, MONDO:0019005, HP:0000090.
Joubert syndrome. Also called: JOUBERT-BOLTSHAUSER SYNDROME; Familial aplasia of the vermis. Identifiers: Orphanet 475, MedGen C5979921, MONDO:0018772.
Inborn genetic diseases. Identifiers: MedGen C0950123, MeSH D030342.
Bardet-Biedl syndrome 14 (BBS14). Identifiers: Orphanet 110, MedGen C2673874, MONDO:0014442, OMIM 615991.
Senior-Loken syndrome 6 (SLSN6). Identifiers: Orphanet 3156, MedGen C1857779, MONDO:0012433, OMIM 610189.
Leber congenital amaurosis 10 (LCA10). Identifiers: Orphanet 65, MedGen C1857821, MONDO:0012723, OMIM 611755.
Meckel syndrome, type 4 (MKS4). Also called: MECKEL-GRUBER SYNDROME, TYPE 4. Identifiers: Orphanet 564, MedGen C1970161, MONDO:0012626, OMIM 611134.
Joubert syndrome 5 (JBTS5). Identifiers: Orphanet 2318, MedGen C1857780, MONDO:0012432, OMIM 610188.

Allele frequency attached by ClinVar (database versions not stated): ESP Exome Variant Server 0.00008; ExAC 0.00009; gnomAD 0.00010; TOPMed 0.00011; gnomAD exomes 0.00013.
gnomAD v4.1: 195 of 1,612,344 alleles (0.012%); highest among the groups gnomAD compares: Non-Finnish European, 0.016%; no homozygotes.

Submissions (5):

Fulgent Genetics
Classification: Uncertain significance for Joubert syndrome 5; Senior-Loken syndrome 6; Meckel syndrome, type 4; Leber congenital amaurosis 10; Bardet-Biedl syndrome 14. Last evaluated: 2024-01-09. Review status: criteria provided, single submitter. Criteria: ACMG Guidelines, 2015. Collection method: clinical testing. Allele origin: germline.

Ambry Genetics
Classification: Uncertain significance for Inborn genetic diseases. Last evaluated: 2023-12-05. Review status: criteria provided, single submitter. Criteria: Ambry Variant Classification Scheme 2023. Collection method: clinical testing. Allele origin: germline.

Blueprint Genetics
Classification: Uncertain significance. Last evaluated: 2023-11-17. Review status: criteria provided, single submitter. Criteria: ACMG Guidelines, 2015. Collection method: clinical testing. Allele origin: germline.

Labcorp Genetics (formerly Invitae), Labcorp
Classification: Uncertain significance for Joubert syndrome; Meckel-Gruber syndrome; Nephronophthisis. Last evaluated: 2022-04-19. Review status: criteria provided, single submitter. Criteria: Invitae Variant Classification Sherloc (09022015). Collection method: clinical testing. Allele origin: germline.
Comment: This sequence change replaces asparagine, which is neutral and polar, with lysine, which is basic and polar, at codon 2228 of the CEP290 protein (p.Asn2228Lys). This variant is present in population databases (rs373711746, gnomAD 0.01%). This missense change has been observed in individual(s) with CEP290-related conditions (PMID: 20690115). Algorithms developed to predict the effect of missense changes on protein structure and function (SIFT, PolyPhen-2, Align-GVGD) all suggest that this variant is likely to be tolerated. Algorithms developed to predict the effect of sequence changes on RNA splicing suggest that this variant may create or strengthen a splice site. In summary, the available evidence is currently insufficient to determine the role of this variant in disease. Therefore, it has been classified as a Variant of Uncertain Significance.

PreventionGenetics, part of Exact Sciences
Classification: Uncertain significance for CEP290-related condition. Last evaluated: 2024-02-13. Review status: no assertion criteria provided. Collection method: clinical testing. Allele origin: germline. Not counted in ClinVar's aggregate classification.
Comment: The CEP290 c.6684T>G variant is predicted to result in the amino acid substitution p.Asn2228Lys. This variant has been reported in a cohort of patients with Joubert syndrome, however no additional studies were done to confirm its pathogenicity (Brancati et al. 2007. PubMed ID: 17564967, Table 4). This variant is reported in 0.011% of alleles in individuals of European (Non-Finnish) descent in gnomAD. At this time, the clinical significance of this variant is uncertain due to the absence of conclusive functional and genetic evidence.

Literature cited by the submitters: PubMed 20690115 (cited by Labcorp Genetics (formerly Invitae), Labcorp).

NM_025114.4(CEP290):c.6684T>G (p.Asn2228Lys)

Gene: CEP290 (centrosomal protein 290; minus strand). Cytogenetic location: 12q21.32.
Variant type: single nucleotide variant.
Coding change: c.6684T>G on transcript NM_025114.4 (MANE Select); coding-DNA position 6684, T replaced by G.
Protein change: p.Asn2228Lys; replaces asparagine 2228 with lysine.
Molecular consequence: missense variant.
Genome position (GRCh38, 1-based): chr12:88,058,982, A>C on the plus strand (T>G on the coding strand, the complement: CEP290 is on the minus strand). VCF-style: chr12-88058982-A-C. GRCh37 (hg19) VCF-style: chr12-88452759-A-C.
Other names: short protein forms N2228K.
Identifiers: ClinVar variation 2158344 (VCV002158344.6), dbSNP rs373711746, ClinGen allele CA6711442.
Genomic context (GRCh38, chr12:88,058,982, plus strand): 5'-CAATCTCTTACCAGTCTCTTCTAGTTGAACTGTCATCTTCTCATTTAATATCTCTAAATT[A>C]TTCTTTGCTATCCGTAATTTCTCTGCAGCATCAGTTTCCTATCATTAAATGCTAATTAGT-3'
Protein context (NP_079390.3, residues 2218-2238): DAAEKLRIAK[Asn2228Lys]NLEILNEKMT